The following is an entry in ClinVar:

ClinVar aggregate classification (germline): Uncertain significance (1 of 4 stars; one submission).

Submission:

Labcorp Genetics (formerly Invitae), Labcorp
Classification: Uncertain significance. Last evaluated: 2022-10-24. Review status: criteria provided, single submitter. Criteria: Invitae Variant Classification Sherloc (09022015). Collection method: clinical testing. Allele origin: germline.
Comment: This variant has not been reported in the literature in individuals affected with ADGRA3-related conditions. In summary, the available evidence is currently insufficient to determine the role of this variant in disease. Therefore, it has been classified as a Variant of Uncertain Significance. Algorithms developed to predict the effect of missense changes on protein structure and function are either unavailable or do not agree on the potential impact of this missense change (SIFT: "Deleterious"; PolyPhen-2: "Benign"; Align-GVGD: "Class C0"). ClinVar contains an entry for this variant (Variation ID: 1440225). This variant is not present in population databases (gnomAD no frequency). This sequence change replaces arginine, which is basic and polar, with serine, which is neutral and polar, at codon 472 of the ADGRA3 protein (p.Arg472Ser).

NM_145290.4(ADGRA3):c.1416A>T (p.Arg472Ser)

Gene: ADGRA3 (adhesion G protein-coupled receptor A3; minus strand). Cytogenetic location: 4p15.2.
Variant type: single nucleotide variant.
Coding change: c.1416A>T on transcript NM_145290.4 (MANE Select); coding-DNA position 1416, A replaced by T.
Protein change: p.Arg472Ser; replaces arginine 472 with serine.
Molecular consequence: missense variant.
Genome position (GRCh38, 1-based): chr4:22,435,338, T>A on the plus strand (A>T on the coding strand, the complement: ADGRA3 is on the minus strand). VCF-style: chr4-22435338-T-A. GRCh37 (hg19) VCF-style: chr4-22436961-T-A.
Other names: short protein forms R472S.
Identifiers: ClinVar variation 1440225 (VCV001440225.8), dbSNP rs2109060066, ClinGen allele CA356481732.